The following is an entry in ClinVar:

NM_000038.6(APC):c.7192T>A (p.Ser2398Thr)

Gene: APC (APC regulator of Wnt signaling pathway; plus strand). Cytogenetic location: 5q22.2.
Variant type: single nucleotide variant.
Coding change: c.7192T>A on transcript NM_000038.6 (MANE Select); coding-DNA position 7192, T replaced by A.
Protein change: p.Ser2398Thr; replaces serine 2398 with threonine.
Molecular consequence: missense variant.
Genome position (GRCh38, 1-based): chr5:112,842,786, T>A. VCF-style: chr5-112842786-T-A. GRCh37 (hg19) VCF-style: chr5-112178483-T-A.
Other names: c.7192T>A, p.Ser2398Thr (NM_001127510.3, NM_001354895.2, NM_001407450.1); c.7138T>A, p.Ser2380Thr (NM_001127511.3); c.7246T>A, p.Ser2416Thr (NM_001354896.2, NM_001407447.1, NM_001407448.1 and 1 more transcripts); c.7222T>A, p.Ser2408Thr (NM_001354897.2); c.7117T>A, p.Ser2373Thr (NM_001354898.2); c.7108T>A, p.Ser2370Thr (NM_001354899.2); c.7069T>A, p.Ser2357Thr (NM_001354900.2); c.7015T>A, p.Ser2339Thr (NM_001354901.2, NM_001407453.1); and 12 more; short protein forms S2357T, S2370T, S2426T, S2238T, S2339T, S2388T, S2391T, S2398T.
Identifiers: ClinVar variation 2150059 (VCV002150059.5), dbSNP rs1288773867, ClinGen allele CA16036994.

ClinVar aggregate classification (germline): Uncertain significance. Review status: criteria provided, multiple submitters, no conflicts (2 of 4 stars). 2 submissions from 2 submitters: Uncertain significance (2). Last evaluated 2026-07-06.

Conditions:
Hereditary cancer-predisposing syndrome. Also called: Tumor predisposition; Hereditary Cancer Syndrome; Hereditary neoplastic syndrome; Neoplastic Syndromes, Hereditary. Identifiers: Orphanet 140162, MedGen C0027672, MeSH D009386, MONDO:0015356.
Familial adenomatous polyposis 1 (FAP1). Also called: FAMILIAL ADENOMATOUS POLYPOSIS 1, ATTENUATED; POLYPOSIS, ADENOMATOUS INTESTINAL. Identifiers: MedGen C2713442, MONDO:0021056, OMIM 175100. Disease mechanism: loss of function.

Allele frequency attached by ClinVar (database versions not stated): TOPMed 0.00001; gnomAD exomes below 0.00001.
gnomAD v4.1: 3 of 1,613,720 alleles (0.00019%); highest among the groups gnomAD compares: Non-Finnish European, 0.00025%; no homozygotes.

Submissions (2):

Ambry Genetics
Classification: Uncertain significance for Hereditary cancer-predisposing syndrome. Last evaluated: 2026-07-06. Review status: criteria provided, single submitter. Criteria: Ambry Variant Classification Scheme 2023. Collection method: clinical testing. Allele origin: germline.
Comment: The p.S2398T variant (also known as c.7192T>A), located in coding exon 15 of the APC gene, results from a T to A substitution at nucleotide position 7192. The serine at codon 2398 is replaced by threonine, an amino acid with similar properties. This amino acid position is conserved. In addition, in silico predictors for this gene do not accurately predict pathogenicity. Based on the available evidence, the clinical significance of this variant remains unclear.

Labcorp Genetics (formerly Invitae), Labcorp
Classification: Uncertain significance for Familial adenomatous polyposis 1. Last evaluated: 2022-12-10. Review status: criteria provided, single submitter. Criteria: Invitae Variant Classification Sherloc (09022015). Collection method: clinical testing. Allele origin: germline.
Comment: In summary, the available evidence is currently insufficient to determine the role of this variant in disease. Therefore, it has been classified as a Variant of Uncertain Significance. Advanced modeling of protein sequence and biophysical properties (such as structural, functional, and spatial information, amino acid conservation, physicochemical variation, residue mobility, and thermodynamic stability) performed at Invitae indicates that this missense variant is not expected to disrupt APC protein function. This variant has not been reported in the literature in individuals affected with APC-related conditions. This variant is not present in population databases (gnomAD no frequency). This sequence change replaces serine, which is neutral and polar, with threonine, which is neutral and polar, at codon 2398 of the APC protein (p.Ser2398Thr).